The following is an entry in ClinVar:

NM_001042492.3(NF1):c.1113A>G (p.Ala371=)

Gene: NF1 (neurofibromin 1; plus strand). Cytogenetic location: 17q11.2.
Variant type: single nucleotide variant.
Coding change: c.1113A>G on transcript NM_001042492.3 (MANE Select); coding-DNA position 1113, A replaced by G.
Protein change: p.Ala371=; no amino-acid change (alanine 371 retained).
Molecular consequence: synonymous variant.
Genome position (GRCh38, 1-based): chr17:31,201,087, A>G. VCF-style: chr17-31201087-A-G. GRCh37 (hg19) VCF-style: chr17-29528105-A-G.
Other names: c.1113A>G, p.Ala371= (NM_000267.4, NM_001128147.3).
Identifiers: ClinVar variation 485946 (VCV000485946.12), dbSNP rs786201652, ClinGen allele CA499219501.
Genomic context (GRCh38, chr17:31,201,087, plus strand): 5'-GTTTTTATAGAACCTGCTTTTTAATCCAAGTAAGCCATTCTCAAGAGGCAGTCAGCCTGC[A>G]GATGTGGATCTAATGATTGACTGCCTTGTTTCTTGCTTTCGTATAAGCCCTCACAACAAC-3'
Protein context (NP_001035957.1, residues 361-381): SKPFSRGSQP[Ala371=]DVDLMIDCLV

ClinVar aggregate classification (germline): Likely benign. Review status: criteria provided, multiple submitters, no conflicts (2 of 4 stars). 4 submissions from 3 submitters: Likely benign (4). Last evaluated 2026-01-13.

Conditions:
Hereditary cancer-predisposing syndrome. Also called: Tumor predisposition; Neoplastic Syndromes, Hereditary; Hereditary Cancer Syndrome; Hereditary neoplastic syndrome. Identifiers: Orphanet 140162, MedGen C0027672, MeSH D009386, MONDO:0015356.
Cardiovascular phenotype. Identifiers: MedGen CN230736.
Neurofibromatosis, type 1 (NF1). Also called: NEUROFIBROMATOSIS, TYPE I, SOMATIC; VON RECKLINGHAUSEN DISEASE; Neurofibromatosis, type I; Peripheral type neurofibromatosis. Identifiers: Orphanet 636, MedGen C0027831, MONDO:0018975, OMIM 162200. Disease mechanism: loss of function.

gnomAD v4.1: 5 of 1,614,106 alleles (0.00031%); highest among the groups gnomAD compares: Non-Finnish European, 0.00042%; no homozygotes.

Submissions (4):

Labcorp Genetics (formerly Invitae), Labcorp
Classification: Likely benign for Neurofibromatosis, type 1. Last evaluated: 2026-01-13. Review status: criteria provided, single submitter. Criteria: Invitae Variant Classification Sherloc (09022015). Collection method: clinical testing. Allele origin: germline.

Genome-Nilou Lab
Classification: Likely benign for Neurofibromatosis, type 1. Last evaluated: 2022-03-15. Review status: criteria provided, single submitter. Criteria: ACMG Guidelines, 2015. Collection method: clinical testing. Allele origin: germline. Affected: no.

Ambry Genetics
Classification: Likely benign for Hereditary cancer-predisposing syndrome. Last evaluated: 2016-07-17. Review status: criteria provided, single submitter. Criteria: Ambry Autosomal Dominant and X-Linked criteria (10/2015). Collection method: clinical testing. Allele origin: germline. Observed: 1 variant allele.
Comment: Synonymous alterations with insufficient evidence to classify as benign

Ambry Genetics
Classification: Likely benign for Cardiovascular phenotype; Hereditary cancer-predisposing syndrome. Last evaluated: 2016-07-17. Review status: criteria provided, single submitter. Criteria: Ambry Variant Classification Scheme 2023. Collection method: clinical testing. Allele origin: germline.